The following is an entry in ClinVar:

NM_001961.4(EEF2):c.2423C>T (p.Ala808Val)

Gene: EEF2 (eukaryotic translation elongation factor 2; minus strand). Cytogenetic location: 19p13.3.
Variant type: single nucleotide variant.
Coding change: c.2423C>T on transcript NM_001961.4 (MANE Select); coding-DNA position 2423, C replaced by T.
Protein change: p.Ala808Val; replaces alanine 808 with valine.
Molecular consequence: missense variant.
Genome position (GRCh38, 1-based): chr19:3,976,708, G>A on the plus strand (C>T on the coding strand, the complement: EEF2 is on the minus strand). VCF-style: chr19-3976708-G-A. GRCh37 (hg19) VCF-style: chr19-3976706-G-A.
Other names: short protein forms A808V.
Identifiers: ClinVar variation 1695651 (VCV001695651.6), dbSNP rs2145355068, ClinGen allele CA403388750.

ClinVar aggregate classification (germline): Uncertain significance. Review status: criteria provided, multiple submitters, no conflicts (2 of 4 stars). 2 submissions from 2 submitters: Uncertain significance (2). Last evaluated 2025-02-05.

Allele frequency attached by ClinVar (database versions not stated): gnomAD exomes 0.00001.
gnomAD v4.1: 10 of 1,603,258 alleles (0.00062%); highest among the groups gnomAD compares: Non-Finnish European, 0.00085%; no homozygotes.

Submissions (2):

Ambry Genetics
Classification: Uncertain significance. Last evaluated: 2025-02-05. Review status: criteria provided, single submitter. Criteria: Ambry Variant Classification Scheme 2023. Collection method: clinical testing. Allele origin: germline.

GeneDx
Classification: Uncertain significance. Last evaluated: 2022-01-10. Review status: criteria provided, single submitter. Criteria: GeneDx Variant Classification Process June 2021. Collection method: clinical testing. Allele origin: germline. Affected: yes.
Comment: Not observed at significant frequency in large population cohorts (gnomAD); In silico analysis supports that this missense variant has a deleterious effect on protein structure/function; Has not been previously published as pathogenic or benign to our knowledge